The following is an entry in ClinVar:

ClinVar aggregate classification (germline): Pathogenic/Likely pathogenic. Review status: criteria provided, multiple submitters, no conflicts (2 of 4 stars). 2 submissions from 2 submitters: Pathogenic (1); Likely pathogenic (1). Last evaluated 2026-01-18.

Conditions:
Cerebroretinal microangiopathy with calcifications and cysts 1 (CRMCC1). Identifiers: Orphanet 313838, MedGen C4552029, MONDO:0024564, OMIM 612199.
Dyskeratosis congenita. Identifiers: Orphanet 1775, MedGen C0265965, MONDO:0015780.

Allele frequency attached by ClinVar (database versions not stated): ExAC below 0.00001; gnomAD exomes below 0.00001 and 0.00001; gnomAD 0.00001; TOPMed 0.00002.
gnomAD v4.1: 8 of 1,612,342 alleles (0.0005%); highest among the groups gnomAD compares: Admixed American, 0.005%; no homozygotes.

Submissions (2):

Labcorp Genetics (formerly Invitae), Labcorp
Classification: Pathogenic for Dyskeratosis congenita. Last evaluated: 2026-01-18. Review status: criteria provided, single submitter. Criteria: Invitae Variant Classification Sherloc (09022015). Collection method: clinical testing. Allele origin: germline.
Comment: This sequence change creates a premature translational stop signal (p.Arg396*) in the CTC1 gene. It is expected to result in an absent or disrupted protein product. Loss-of-function variants in CTC1 are known to be pathogenic (PMID: 22267198, 22387016). The frequency data for this variant in the population databases is considered unreliable, as metrics indicate poor data quality at this position in the gnomAD database. This premature translational stop signal has been observed in individual(s) with clinical features of dyskeratosis congenita (internal data). ClinVar contains an entry for this variant (Variation ID: 576930). For these reasons, this variant has been classified as Pathogenic.

Fulgent Genetics
Classification: Likely pathogenic for Cerebroretinal microangiopathy with calcifications and cysts 1. Last evaluated: 2024-04-02. Review status: criteria provided, single submitter. Criteria: ACMG Guidelines, 2015. Collection method: clinical testing. Allele origin: germline.

Literature cited by the submitters: PubMed 22267198 (cited by Labcorp Genetics (formerly Invitae), Labcorp); PubMed 22387016 (cited by Labcorp Genetics (formerly Invitae), Labcorp).

NM_025099.6(CTC1):c.1186C>T (p.Arg396Ter)

Gene: CTC1 (CST telomere replication complex component 1; minus strand). Cytogenetic location: 17p13.1.
Variant type: single nucleotide variant.
Coding change: c.1186C>T on transcript NM_025099.6 (MANE Select); coding-DNA position 1186, C replaced by T.
Protein change: p.Arg396Ter; replaces arginine 396 with a stop codon.
Molecular consequence: nonsense. On other transcripts: non-coding transcript variant (1).
Genome position (GRCh38, 1-based): chr17:8,235,851, G>A on the plus strand (C>T on the coding strand, the complement: CTC1 is on the minus strand). VCF-style: chr17-8235851-G-A. GRCh37 (hg19) VCF-style: chr17-8139169-G-A.
Other names: short protein forms R396*.
Identifiers: ClinVar variation 576930 (VCV000576930.11), dbSNP rs764019241, ClinGen allele CA8372440.
Genomic context (GRCh38, chr17:8,235,851, plus strand): 5'-GCAGAGGTCTCTTTTTGTTATCAGCCCTGATCTCACATACCTGCAGACACACTCCAGGTC[G>A]CATCACCCGCCTAAGGCCACGGAACTGCTGGTAGGCAAGGCAGAGCCCCAGCTGCCCATC-3'